The following is an entry in ClinVar:

NM_176787.5(PIGN):c.509A>G (p.Asp170Gly)

Gene: PIGN (phosphatidylinositol glycan anchor biosynthesis class N; minus strand). Cytogenetic location: 18q21.33.
Variant type: single nucleotide variant.
Coding change: c.509A>G on transcript NM_176787.5 (MANE Select); coding-DNA position 509, A replaced by G.
Protein change: p.Asp170Gly; replaces aspartic acid 170 with glycine.
Molecular consequence: missense variant.
Genome position (GRCh38, 1-based): chr18:62,154,585, T>C on the plus strand (A>G on the coding strand, the complement: PIGN is on the minus strand). VCF-style: chr18-62154585-T-C. GRCh37 (hg19) VCF-style: chr18-59821818-T-C.
Other names: c.509A>G (NM_176787.4); c.509A>G, p.Asp170Gly (NM_012327.6); short protein forms D170G.
Identifiers: ClinVar variation 1014482 (VCV001014482.10), dbSNP rs2036653453, ClinGen allele CA402602793.

ClinVar aggregate classification (germline): Uncertain significance. Review status: criteria provided, multiple submitters, no conflicts (2 of 4 stars). 2 submissions from 2 submitters: Uncertain significance (2). Last evaluated 2023-02-11.

Conditions:
Multiple congenital anomalies-hypotonia-seizures syndrome 1 (MCAHS1). Also called: GLYCOSYLPHOSPHATIDYLINOSITOL BIOSYNTHESIS DEFECT 3; PIGN-CDG; Congenital disorder of glycosylation due to PIGN deficiency. Identifiers: Orphanet 280633, MedGen C3279775, MONDO:0013563, OMIM 614080.

Submissions (2):

GeneDx
Classification: Uncertain significance. Last evaluated: 2023-02-11. Review status: criteria provided, single submitter. Criteria: GeneDx Variant Classification Process June 2021. Collection method: clinical testing. Allele origin: germline. Affected: yes.
Comment: Not observed at significant frequency in large population cohorts (gnomAD); In silico analysis supports that this missense variant has a deleterious effect on protein structure/function; Has not been previously published as pathogenic or benign to our knowledge

Labcorp Genetics (formerly Invitae), Labcorp
Classification: Uncertain significance for Multiple congenital anomalies-hypotonia-seizures syndrome 1. Last evaluated: 2020-01-13. Review status: criteria provided, single submitter. Criteria: Invitae Variant Classification Sherloc (09022015). Collection method: clinical testing. Allele origin: germline.
Comment: This sequence change replaces aspartic acid with glycine at codon 170 of the PIGN protein (p.Asp170Gly). The aspartic acid residue is highly conserved and there is a moderate physicochemical difference between aspartic acid and glycine. Algorithms developed to predict the effect of sequence changes on RNA splicing suggest that this variant may create or strengthen a splice site, but this prediction has not been confirmed by published transcriptional studies. Algorithms developed to predict the effect of missense changes on protein structure and function are either unavailable or do not agree on the potential impact of this missense change (SIFT: "Deleterious"; PolyPhen-2: "Probably Damaging"; Align-GVGD: "Class C0"). This variant has not been reported in the literature in individuals with PIGN-related conditions. This variant is not present in population databases (ExAC no frequency). In summary, the available evidence is currently insufficient to determine the role of this variant in disease. Therefore, it has been classified as a Variant of Uncertain Significance.